The following is an entry in ClinVar:

NM_000552.5(VWF):c.6973T>A (p.Cys2325Ser)

Gene: VWF (von Willebrand factor; minus strand). Cytogenetic location: 12p13.31.
Variant type: single nucleotide variant.
Coding change: c.6973T>A on transcript NM_000552.5 (MANE Select); coding-DNA position 6973, T replaced by A.
Protein change: p.Cys2325Ser; replaces cysteine 2325 with serine.
Molecular consequence: missense variant.
Genome position (GRCh38, 1-based): chr12:5,985,048, A>T on the plus strand (T>A on the coding strand, the complement: VWF is on the minus strand). VCF-style: chr12-5985048-A-T. GRCh37 (hg19) VCF-style: chr12-6094214-A-T.
Other names: short protein forms C2325S.
Identifiers: ClinVar variation 1065291 (VCV001065291.3), dbSNP rs1256082707, ClinGen allele CA383488305.

ClinVar aggregate classification (germline): Likely pathogenic (0 of 4 stars; one submission).

Conditions:
von Willebrand disease type 3 (VWD3). Also called: Type 3 Von Willebrand's disease; Type 3 VWD; Von Willebrand disease, severe form; V WD3; VON WILLEBRAND DISEASE, TYPE III. Identifiers: Orphanet 166096, MedGen C1264041, MONDO:0010191, OMIM 277480.

Allele frequency attached by ClinVar (database versions not stated): gnomAD exomes below 0.00001.
gnomAD v4.1: 1 of 1,614,098 alleles (0.000062%); highest among the groups gnomAD compares: Non-Finnish European, 0.000085%; no homozygotes.

Submission:

Angelo Bianchi Bonomi Hemophilia and Thrombosis Center, Fondazione IRCCS Ca Granda Ospedale Maggiore Policlinico
Classification: Likely pathogenic for von Willebrand disease type 3. Last evaluated: 2020-11-01. Review status: no assertion criteria provided. Collection method: clinical testing. Allele origin: germline. Affected: yes. Study: Type 3 Von Willebrand International Registries Inhibitor Prospective Study (3WINTERS-IPS).
Comment: ClinGen Pathogenicity Calculator